The following is an entry in ClinVar:

ClinVar aggregate classification (germline): Uncertain significance. Review status: criteria provided, multiple submitters, no conflicts (2 of 4 stars). 2 submissions from 2 submitters: Uncertain significance (2). Last evaluated 2025-11-07.

Conditions:
Inborn genetic diseases. Identifiers: MedGen C0950123, MeSH D030342.

gnomAD v4.1: 29 of 1,613,872 alleles (0.0018%); highest among the groups gnomAD compares: Non-Finnish European, 0.0023%; no homozygotes.

Submissions (2):

Ambry Genetics
Classification: Uncertain significance for Inborn genetic diseases. Last evaluated: 2025-11-07. Review status: criteria provided, single submitter. Criteria: Ambry Variant Classification Scheme 2023. Collection method: clinical testing. Allele origin: germline.

Labcorp Genetics (formerly Invitae), Labcorp
Classification: Uncertain significance. Last evaluated: 2025-01-23. Review status: criteria provided, single submitter. Criteria: Invitae Variant Classification Sherloc (09022015). Collection method: clinical testing. Allele origin: germline.
Comment: This sequence change replaces serine, which is neutral and polar, with cysteine, which is neutral and slightly polar, at codon 132 of the HOMER2 protein (p.Ser132Cys). This variant is present in population databases (rs764105618, gnomAD 0.004%). This variant has not been reported in the literature in individuals affected with HOMER2-related conditions. An algorithm developed to predict the effect of missense changes on protein structure and function (PolyPhen-2) suggests that this variant is likely to be disruptive. In summary, the available evidence is currently insufficient to determine the role of this variant in disease. Therefore, it has been classified as a Variant of Uncertain Significance.

NM_004839.4(HOMER2):c.394A>T (p.Ser132Cys)

Gene: HOMER2 (homer scaffold protein 2; minus strand). Cytogenetic location: 15q25.2.
Variant type: single nucleotide variant.
Coding change: c.394A>T on transcript NM_004839.4 (MANE Select); coding-DNA position 394, A replaced by T.
Protein change: p.Ser132Cys; replaces serine 132 with cysteine.
Molecular consequence: missense variant.
Genome position (GRCh38, 1-based): chr15:82,859,129, T>A on the plus strand (A>T on the coding strand, the complement: HOMER2 is on the minus strand). VCF-style: chr15-82859129-T-A. GRCh37 (hg19) VCF-style: chr15-83527881-T-A.
Other names: c.427A>T, p.Ser143Cys (NM_199330.3); c.427A>T (NM_199330.2); short protein forms S132C, S143C.
Identifiers: ClinVar variation 3608314 (VCV003608314.3).